The following is an entry in ClinVar:

NM_018972.4(GDAP1):c.931G>T (p.Val311Leu)

Gene: GDAP1 (ganglioside induced differentiation associated protein 1; plus strand). Cytogenetic location: 8q21.11.
Variant type: single nucleotide variant.
Coding change: c.931G>T on transcript NM_018972.4 (MANE Select); coding-DNA position 931, G replaced by T.
Protein change: p.Val311Leu; replaces valine 311 with leucine.
Molecular consequence: missense variant. On other transcripts: intron variant (1).
Genome position (GRCh38, 1-based): chr8:74,364,221, G>T. VCF-style: chr8-74364221-G-T. GRCh37 (hg19) VCF-style: chr8-75276456-G-T.
Other names: c.727G>T, p.Val243Leu (NM_001040875.4); c.604G>T, p.Val202Leu (NM_001362929.2, NM_001362932.2); c.757G>T, p.Val253Leu (NM_001362930.2); c.694+1168G>T (NM_001362931.2); short protein forms V202L, V311L, V253L, V243L.
Identifiers: ClinVar variation 4767037 (VCV004767037.1).
Genomic context (GRCh38, chr8:74,364,221, plus strand): 5'-AAGGTTTTAGGACATGTCAACAATATATTAATCTCTGCAGTGCTGCCAACAGCATTCCGG[G>T]TGGCCAAGAAAAGGGCCCCAAAAGTTCTTGGCACGACCCTTGTGGTTGGTTTGCTTGCAG-3'
Protein context (NP_061845.2, residues 301-321): ISAVLPTAFR[Val311Leu]AKKRAPKVLG

ClinVar aggregate classification (germline): Uncertain significance (1 of 4 stars; one submission).

Conditions:
Charcot-Marie-Tooth disease type 4A. Also called: Charcot-Marie-Tooth disease, demyelinating, autosomal recessive, type 4a. Identifiers: Orphanet 99948, MedGen C1859198, MONDO:0008961, OMIM 214400.

gnomAD v4.1: 1 of 1,614,170 alleles (0.000062%); highest among the groups gnomAD compares: Non-Finnish European, 0.000085%; no homozygotes.

Submission:

Labcorp Genetics (formerly Invitae), Labcorp
Classification: Uncertain significance for Charcot-Marie-Tooth disease type 4A. Last evaluated: 2025-06-27. Review status: criteria provided, single submitter. Criteria: Invitae Variant Classification Sherloc (09022015). Collection method: clinical testing. Allele origin: germline.
Comment: This sequence change replaces valine, which is neutral and non-polar, with leucine, which is neutral and non-polar, at codon 311 of the GDAP1 protein (p.Val311Leu). This variant is not present in population databases (gnomAD no frequency). This variant has not been reported in the literature in individuals affected with GDAP1-related conditions. Invitae Evidence Modeling of protein sequence and biophysical properties (such as structural, functional, and spatial information, amino acid conservation, physicochemical variation, residue mobility, and thermodynamic stability) indicates that this missense variant is not expected to disrupt GDAP1 protein function with a negative predictive value of 80%. In summary, the available evidence is currently insufficient to determine the role of this variant in disease. Therefore, it has been classified as a Variant of Uncertain Significance.